The following is an entry in ClinVar:

NM_152866.3(MS4A1):c.157G>C (p.Gly53Arg)

Gene: MS4A1 (membrane spanning 4-domains A1; plus strand). Cytogenetic location: 11q12.2.
Variant type: single nucleotide variant.
Coding change: c.157G>C on transcript NM_152866.3 (MANE Select); coding-DNA position 157, G replaced by C.
Protein change: p.Gly53Arg; replaces glycine 53 with arginine.
Molecular consequence: missense variant.
Genome position (GRCh38, 1-based): chr11:60,462,531, G>C. VCF-style: chr11-60462531-G-C. GRCh37 (hg19) VCF-style: chr11-60230004-G-C.
Other names: c.157G>C, p.Gly53Arg (NM_021950.4, NM_152867.2); short protein forms G53R.
Identifiers: ClinVar variation 2074345 (VCV002074345.4), dbSNP rs2086256871, ClinGen allele CA380598230.
Genomic context (GRCh38, chr11:60,462,531, plus strand): 5'-AGGATGTCTTCACTGGTGGGCCCCACGCAAAGCTTCTTCATGAGGGAATCTAAGACTTTG[G>C]GGGTAAGTCAGTTGCCTTCCATCCCATGTCGTAGGGATTCTCTGGCTGACAGAAGCTGAT-3'
Protein context (NP_690605.1, residues 43-63): SFFMRESKTL[Gly53Arg]AVQIMNGLFH

ClinVar aggregate classification (germline): Uncertain significance (1 of 4 stars; one submission).

Allele frequency attached by ClinVar (database versions not stated): TOPMed below 0.00001; gnomAD 0.00001.
gnomAD v4.1: 1 of 1,614,018 alleles (0.000062%); highest among the groups gnomAD compares: Non-Finnish European, 0.000085%; no homozygotes.

Submission:

Labcorp Genetics (formerly Invitae), Labcorp
Classification: Uncertain significance. Last evaluated: 2022-09-23. Review status: criteria provided, single submitter. Criteria: Invitae Variant Classification Sherloc (09022015). Collection method: clinical testing. Allele origin: germline.
Comment: This sequence change replaces glycine, which is neutral and non-polar, with arginine, which is basic and polar, at codon 53 of the MS4A1 protein (p.Gly53Arg). This variant is not present in population databases (gnomAD no frequency). This variant has not been reported in the literature in individuals affected with MS4A1-related conditions. Algorithms developed to predict the effect of missense changes on protein structure and function (SIFT, PolyPhen-2, Align-GVGD) all suggest that this variant is likely to be disruptive. In summary, the available evidence is currently insufficient to determine the role of this variant in disease. Therefore, it has been classified as a Variant of Uncertain Significance.